The following is an entry in ClinVar:

ClinVar aggregate classification (germline): Uncertain significance. Review status: criteria provided, multiple submitters, no conflicts (2 of 4 stars). 3 submissions from 3 submitters: Uncertain significance (3). Last evaluated 2026-03-23.

Conditions:
Familial porphyria cutanea tarda (PCT). Also called: PCT, ''FAMILIAL'' TYPE; PCT, TYPE II; PORPHYRIA CUTANEA TARDA, TYPE II; PORPHYRIA, HEPATOCUTANEOUS TYPE; UROD DEFICIENCY; UROPORPHYRINOGEN DECARBOXYLASE DEFICIENCY. Identifiers: Orphanet 101330, Orphanet 443062, MedGen C0268323, MONDO:0008296, OMIM 176100.
UROD-related disorder. Also called: UROD-related disorders; UROD-related condition.

Allele frequency attached by ClinVar (database versions not stated): ExAC 0.00014; gnomAD exomes 0.00014 and 0.00016; gnomAD 0.00019 and 0.00020; TOPMed 0.00023; ESP Exome Variant Server 0.00031.

Submissions (3):

PreventionGenetics, part of Exact Sciences
Classification: Uncertain significance for UROD-related condition. Last evaluated: 2026-03-23. Review status: criteria provided, single submitter. Criteria: ACMG Guidelines, 2015. Collection method: clinical testing. Allele origin: germline.
Comment: The UROD c.390G>T variant is predicted to result in the amino acid substitution p.Glu130Asp. To our knowledge, this variant has not been reported in the literature. This variant is reported in 0.026% of alleles in individuals of European (Non-Finnish) descent in gnomAD. At this time, the clinical significance of this variant is uncertain due to the absence of conclusive functional and genetic evidence.

Labcorp Genetics (formerly Invitae), Labcorp
Classification: Uncertain significance. Last evaluated: 2025-09-15. Review status: criteria provided, single submitter. Criteria: Invitae Variant Classification Sherloc (09022015). Collection method: clinical testing. Allele origin: germline.
Comment: This sequence change replaces glutamic acid, which is acidic and polar, with aspartic acid, which is acidic and polar, at codon 130 of the UROD protein (p.Glu130Asp). This variant is present in population databases (rs138585833, gnomAD 0.03%). This variant has not been reported in the literature in individuals affected with UROD-related conditions. ClinVar contains an entry for this variant (Variation ID: 874340). Invitae Evidence Modeling of protein sequence and biophysical properties (such as structural, functional, and spatial information, amino acid conservation, physicochemical variation, residue mobility, and thermodynamic stability) indicates that this missense variant is not expected to disrupt UROD protein function with a negative predictive value of 80%. In summary, the available evidence is currently insufficient to determine the role of this variant in disease. Therefore, it has been classified as a Variant of Uncertain Significance.

Illumina Laboratory Services, Illumina
Classification: Uncertain significance for Familial porphyria cutanea tarda. Last evaluated: 2017-05-01. Review status: criteria provided, single submitter. Criteria: ICSL Variant Classification Criteria 13 December 2019. Collection method: clinical testing. Allele origin: germline.
Comment: This variant was observed as part of a predisposition screen in an ostensibly healthy population. A literature search was performed for the gene, cDNA change, and amino acid change (where applicable). Publications were found based on this search. However, the evidence from the literature, in combination with allele frequency data from public databases where available, was not sufficient to rule this variant in or out of causing disease. Therefore, this variant is classified as a variant of unknown significance.

Literature cited by the submitters: PubMed 24777812 (cited by Illumina Laboratory Services, Illumina).

NM_000374.5(UROD):c.390G>T (p.Glu130Asp)

Gene: UROD (uroporphyrinogen decarboxylase; plus strand). Cytogenetic location: 1p34.1.
Variant type: single nucleotide variant.
Coding change: c.390G>T on transcript NM_000374.5 (MANE Select); coding-DNA position 390, G replaced by T.
Protein change: p.Glu130Asp; replaces glutamic acid 130 with aspartic acid.
Molecular consequence: missense variant. On other transcripts: non-coding transcript variant (3).
Genome position (GRCh38, 1-based): chr1:45,013,707, G>T. VCF-style: chr1-45013707-G-T. GRCh37 (hg19) VCF-style: chr1-45479379-G-T.
Other names: short protein forms E130D.
Identifiers: ClinVar variation 874340 (VCV000874340.10), dbSNP rs138585833, ClinGen allele CA825231.